The following is an entry in ClinVar:

ClinVar aggregate classification (germline): Conflicting classifications of pathogenicity. Review status: criteria provided, conflicting classifications (1 of 4 stars). 3 submissions from 3 submitters: Likely pathogenic (1); Uncertain significance (2). Last evaluated 2025-11-12.

Conditions:
PRPH2-related disorder. Also called: PRPH2-related condition; PRPH2-related disorders. Identifiers: MedGen CN239395.
Retinal disorder. Also called: Retinopathy; Retinopathies; Retinal Diseases; Retinal disorders. Identifiers: MedGen C0035309, MONDO:0005283, HP:0000488.

Submissions (3):

Genetics Laboratory, Great Ormond Street Hospital NHS Foundation Trust, North Thames Genomic Laboratory Hub
Classification: Uncertain significance for Retinal disorders. Last evaluated: 2025-11-12. Review status: criteria provided, single submitter. Criteria: ACGS Best Practice Guidelines for Variant Classification in Rare Disease 2024 v1.2. Collection method: clinical testing. Allele origin: germline. Affected: yes.
Comment: PS4_supporting, PM2_moderate, BP4_supporting, PM5_moderate, PM1_supporting

Labcorp Genetics (formerly Invitae), Labcorp
Classification: Uncertain significance for PRPH2-related disorder. Last evaluated: 2025-03-26. Review status: criteria provided, single submitter. Criteria: Invitae Variant Classification Sherloc (09022015). Collection method: clinical testing. Allele origin: germline.
Comment: This sequence change replaces valine, which is neutral and non-polar, with methionine, which is neutral and non-polar, at codon 200 of the PRPH2 protein (p.Val200Met). This variant is not present in population databases (gnomAD no frequency). This missense change has been observed in individual(s) with retinal disease (PMID: 38219857). Invitae Evidence Modeling of protein sequence and biophysical properties (such as structural, functional, and spatial information, amino acid conservation, physicochemical variation, residue mobility, and thermodynamic stability) has been performed for this missense variant. However, the output from this modeling did not meet the statistical confidence thresholds required to predict the impact of this variant on PRPH2 protein function. This variant disrupts the p.Val200 amino acid residue in PRPH2. Other variant(s) that disrupt this residue have been determined to be pathogenic (PMID: 8912967). This suggests that this residue is clinically significant, and that variants that disrupt this residue are likely to be disease-causing. In summary, the available evidence is currently insufficient to determine the role of this variant in disease. Therefore, it has been classified as a Variant of Uncertain Significance.

Blueprint Genetics
Classification: Likely pathogenic for PRPH2-related disorders. Last evaluated: 2022-04-06. Review status: criteria provided, single submitter. Criteria: ACMG Guidelines, 2015. Collection method: clinical testing. Allele origin: germline. Affected: yes. Observed: 2 variant alleles.

Literature cited by the submitters: PubMed 38219857 (cited by Labcorp Genetics (formerly Invitae), Labcorp); PubMed 8912967 (cited by Labcorp Genetics (formerly Invitae), Labcorp).

NM_000322.5(PRPH2):c.598G>A (p.Val200Met)

Gene: PRPH2 (peripherin 2; minus strand). Cytogenetic location: 6p21.1.
Variant type: single nucleotide variant.
Coding change: c.598G>A on transcript NM_000322.5 (MANE Select); coding-DNA position 598, G replaced by A.
Protein change: p.Val200Met; replaces valine 200 with methionine.
Molecular consequence: missense variant.
Genome position (GRCh38, 1-based): chr6:42,704,595, C>T on the plus strand (G>A on the coding strand, the complement: PRPH2 is on the minus strand). VCF-style: chr6-42704595-C-T. GRCh37 (hg19) VCF-style: chr6-42672333-C-T.
Other names: short protein forms V200M.
Identifiers: ClinVar variation 4683146 (VCV004683146.3).